The following is an entry in ClinVar:

ClinVar aggregate classification (germline): Likely pathogenic (1 of 4 stars; one submission).

Conditions:
Wilson disease (WND). Also called: Wilson's disease. Identifiers: Orphanet 905, MedGen C0019202, MONDO:0010200, OMIM 277900. Disease mechanism: loss of function.

Submission:

Myriad Genetics, Inc.
Classification: Likely pathogenic for Wilson disease. Last evaluated: 2019-12-28. Review status: criteria provided, single submitter. Criteria: Myriad Women's Health Autosomal Recessive and X-Linked Classification Criteria (2019). Collection method: clinical testing. Allele origin: unknown.
Comment: NM_000053.3(ATP7B):c.1596T>A(Y532*) is expected to be pathogenic in the context of Wilson disease. This variant is predicted to lead to an abnormal or absent protein product due to the creation of a premature termination codon in ATP7B, a gene where loss-of-function variants are known to be pathogenic. Please note: this variant was assessed in the context of healthy population screening.

NM_000053.4(ATP7B):c.1596T>A (p.Tyr532Ter)

Gene: ATP7B (ATPase copper transporting beta; minus strand). Cytogenetic location: 13q14.3.
Variant type: single nucleotide variant.
Coding change: c.1596T>A on transcript NM_000053.4 (MANE Select); coding-DNA position 1596, T replaced by A.
Protein change: p.Tyr532Ter; replaces tyrosine 532 with a stop codon.
Molecular consequence: nonsense.
Genome position (GRCh38, 1-based): chr13:51,968,555, A>T on the plus strand (T>A on the coding strand, the complement: ATP7B is on the minus strand). VCF-style: chr13-51968555-A-T. GRCh37 (hg19) VCF-style: chr13-52542691-A-T.
Other names: c.1596T>A, p.Tyr532Ter (NM_001005918.3, NM_001330578.2, NM_001330579.2); c.1263T>A, p.Tyr421Ter (NM_001243182.2); short protein forms Y421*, Y532*.
Identifiers: ClinVar variation 983755 (VCV000983755.3), dbSNP rs1951683498, ClinGen allele CA388033153.